The following is an entry in ClinVar:

ClinVar aggregate classification (germline): Pathogenic/Likely pathogenic. Review status: criteria provided, multiple submitters, no conflicts (2 of 4 stars). 2 submissions from 2 submitters: Pathogenic (1); Likely pathogenic (1). Last evaluated 2025-11-12.

Conditions:
Retinitis pigmentosa 25 (RP25). Identifiers: Orphanet 791, MedGen C1864446, MONDO:0011272, OMIM 602772.

Submissions (2):

Labcorp Genetics (formerly Invitae), Labcorp
Classification: Pathogenic. Last evaluated: 2025-11-12. Review status: criteria provided, single submitter. Criteria: Invitae Variant Classification Sherloc (09022015). Collection method: clinical testing. Allele origin: germline.
Comment: This sequence change creates a premature translational stop signal (p.Cys2927Tyrfs*47) in the EYS gene. While this is not anticipated to result in nonsense mediated decay, it is expected to disrupt the last 218 amino acid(s) of the EYS protein. This variant is not present in population databases (gnomAD no frequency). This premature translational stop signal has been observed in individual(s) with retinitis pigmentosa (PMID: 36513702). ClinVar contains an entry for this variant (Variation ID: 1799508). This variant disrupts a region of the EYS protein in which other variant(s) (p.Tyr3135*) have been determined to be pathogenic (PMID: 18976725, 29159838, 30337596, 31074760). This suggests that this is a clinically significant region of the protein, and that variants that disrupt it are likely to be disease-causing. For these reasons, this variant has been classified as Pathogenic.

Siriraj Ophthalmic Genetics Research, Faculty of Medicine Siriraj Hospital, Mahidol University
Classification: Likely pathogenic for Retinitis pigmentosa 25. Last evaluated: 2022-05-01. Review status: criteria provided, single submitter. Criteria: ACMG Guidelines, 2015. Collection method: research. Allele origin: germline. Affected: yes. Observed: 1 heterozygote.

Literature cited by the submitters: PubMed 36513702 (cited by Labcorp Genetics (formerly Invitae), Labcorp); PubMed 18976725 (cited by Labcorp Genetics (formerly Invitae), Labcorp); PubMed 29159838 (cited by Labcorp Genetics (formerly Invitae), Labcorp); PubMed 30337596 (cited by Labcorp Genetics (formerly Invitae), Labcorp); PubMed 31074760 (cited by Labcorp Genetics (formerly Invitae), Labcorp).

NM_001142800.2(EYS):c.8780_8783del (p.Cys2927fs)

Genes: EYS (EGF-like photoreceptor maintenance factor; minus strand), PHF3 (PHD finger protein 3; plus strand). Cytogenetic location: 6q12.
Variant type: Deletion.
Coding change: c.8780_8783del on transcript NM_001142800.2 (MANE Select); coding-DNA positions 8780 to 8783, 4 bases deleted (GTAT; older notation c.8780_8783delGTAT).
Protein change: p.Cys2927fs; shifts the reading frame from cysteine 2927.
Molecular consequence: frameshift variant. On other transcripts: 3 prime UTR variant (5).
Genome position (GRCh38, 1-based): chr6:63,721,248-63,721,251, ATAC deleted on the plus strand (GTAT on the coding strand, the reverse complement: EYS is on the minus strand); deleting any 4 consecutive bases within chr6:63,721,248-63,721,254 gives the same sequence; the c. name uses the placement nearest the transcript's 3' end. VCF-style (leftmost placement, unchanged base first): chr6-63721247-TATAC-T. GRCh37 (hg19) VCF-style: chr6-64431143-TATAC-T.
Other names: c.*7543_*7546del (NM_001290259.2, NM_001370348.2, NM_001370349.2 and 2 more transcripts); c.8843_8846del, p.Cys2948fs (NM_001292009.2); short protein forms C2948fs, C2927fs.
Identifiers: ClinVar variation 1799508 (VCV001799508.2), dbSNP rs2533389794, ClinGen allele CA2580075643.